The following is an entry in ClinVar:

ClinVar aggregate classification (germline): Uncertain significance. Review status: criteria provided, single submitter (1 of 4 stars). 2 submissions from 2 submitters: Uncertain significance (1). 1 of the submissions does not count toward it. Last evaluated 2025-07-01.

Conditions:
Inborn genetic diseases. Identifiers: MedGen C0950123, MeSH D030342.
ATP11A-related disorder. Also called: ATP11A-related condition.

gnomAD v4.1: 85 of 1,611,890 alleles (0.0053%); highest among the groups gnomAD compares: Admixed American, 0.14%; no homozygotes.

Submissions (2):

Ambry Genetics
Classification: Uncertain significance for Inborn genetic diseases. Last evaluated: 2025-07-01. Review status: criteria provided, single submitter. Criteria: Ambry Variant Classification Scheme 2023. Collection method: clinical testing. Allele origin: germline.

PreventionGenetics, part of Exact Sciences
Classification: Likely benign for ATP11A-related condition. Last evaluated: 2024-07-17. Review status: no assertion criteria provided. Collection method: clinical testing. Allele origin: germline. Not counted in ClinVar's aggregate classification.
Comment: This variant is classified as likely benign based on ACMG/AMP sequence variant interpretation guidelines (Richards et al. 2015 PMID: 25741868, with internal and published modifications).

NM_015205.3(ATP11A):c.1560A>T (p.Arg520Ser)

Gene: ATP11A (ATPase phospholipid transporting 11A; plus strand). Cytogenetic location: 13q34.
Variant type: single nucleotide variant.
Coding change: c.1560A>T on transcript NM_015205.3 (MANE Select); coding-DNA position 1560, A replaced by T.
Protein change: p.Arg520Ser; replaces arginine 520 with serine.
Molecular consequence: missense variant.
Genome position (GRCh38, 1-based): chr13:112,834,589, A>T. VCF-style: chr13-112834589-A-T. GRCh37 (hg19) VCF-style: chr13-113488903-A-T.
Other names: c.1560A>T, p.Arg520Ser (NM_001405661.1, NM_001405662.1, NM_001405663.1 and 1 more transcripts); short protein forms R520S.
Identifiers: ClinVar variation 3349576 (VCV003349576.2).